The following is an entry in ClinVar:

NM_022072.5(NSUN3):c.424C>T (p.Pro142Ser)

Gene: NSUN3 (NOP2/Sun RNA methyltransferase 3; plus strand). Cytogenetic location: 3q11.2.
Variant type: single nucleotide variant.
Coding change: c.424C>T on transcript NM_022072.5 (MANE Select); coding-DNA position 424, C replaced by T.
Protein change: p.Pro142Ser; replaces proline 142 with serine.
Molecular consequence: missense variant.
Genome position (GRCh38, 1-based): chr3:94,084,408, C>T. VCF-style: chr3-94084408-C-T. GRCh37 (hg19) VCF-style: chr3-93803252-C-T.
Other names: short protein forms P142S.
Identifiers: ClinVar variation 2081076 (VCV002081076.4), dbSNP rs756580372, ClinGen allele CA2504693.

ClinVar aggregate classification (germline): Uncertain significance (1 of 4 stars; one submission).

Allele frequency attached by ClinVar (database versions not stated): gnomAD 0.00001; ExAC 0.00002; TOPMed 0.00004; gnomAD exomes 0.00001.
gnomAD v4.1: 21 of 1,613,878 alleles (0.0013%); highest among the groups gnomAD compares: Admixed American, 0.023%; no homozygotes.

Submission:

Labcorp Genetics (formerly Invitae), Labcorp
Classification: Uncertain significance. Last evaluated: 2022-08-31. Review status: criteria provided, single submitter. Criteria: Invitae Variant Classification Sherloc (09022015). Collection method: clinical testing. Allele origin: germline.
Comment: In summary, the available evidence is currently insufficient to determine the role of this variant in disease. Therefore, it has been classified as a Variant of Uncertain Significance. Algorithms developed to predict the effect of missense changes on protein structure and function are either unavailable or do not agree on the potential impact of this missense change (SIFT: "Deleterious"; PolyPhen-2: "Probably Damaging"; Align-GVGD: "Class C0"). This variant has not been reported in the literature in individuals affected with NSUN3-related conditions. This variant is present in population databases (rs756580372, gnomAD 0.02%). This sequence change replaces proline, which is neutral and non-polar, with serine, which is neutral and polar, at codon 142 of the NSUN3 protein (p.Pro142Ser).